The following is an entry in ClinVar:

NM_001408.3(CELSR2):c.818C>G (p.Ala273Gly)

Gene: CELSR2 (cadherin EGF LAG seven-pass G-type receptor 2; plus strand). Cytogenetic location: 1p13.3.
Variant type: single nucleotide variant.
Coding change: c.818C>G on transcript NM_001408.3 (MANE Select); coding-DNA position 818, C replaced by G.
Protein change: p.Ala273Gly; replaces alanine 273 with glycine.
Molecular consequence: missense variant.
Genome position (GRCh38, 1-based): chr1:109,250,897, C>G. VCF-style: chr1-109250897-C-G. GRCh37 (hg19) VCF-style: chr1-109793519-C-G.
Other names: short protein forms A273G.
Identifiers: ClinVar variation 3697142 (VCV003697142.2).

ClinVar aggregate classification (germline): Uncertain significance (1 of 4 stars; one submission).

Submission:

Labcorp Genetics (formerly Invitae), Labcorp
Classification: Uncertain significance. Last evaluated: 2024-04-08. Review status: criteria provided, single submitter. Criteria: Invitae Variant Classification Sherloc (09022015). Collection method: clinical testing. Allele origin: germline.
Comment: This sequence change replaces alanine, which is neutral and non-polar, with glycine, which is neutral and non-polar, at codon 273 of the CELSR2 protein (p.Ala273Gly). This variant is not present in population databases (gnomAD no frequency). This variant has not been reported in the literature in individuals affected with CELSR2-related conditions. Advanced modeling of protein sequence and biophysical properties (such as structural, functional, and spatial information, amino acid conservation, physicochemical variation, residue mobility, and thermodynamic stability) has been performed at Invitae for this missense variant, however the output from this modeling did not meet the statistical confidence thresholds required to predict the impact of this variant on CELSR2 protein function. In summary, the available evidence is currently insufficient to determine the role of this variant in disease. Therefore, it has been classified as a Variant of Uncertain Significance.